The following is an entry in ClinVar:

ClinVar aggregate classification (germline): Uncertain significance (1 of 4 stars; one submission).

Conditions:
Inborn genetic diseases. Identifiers: MedGen C0950123, MeSH D030342.

Allele frequency attached by ClinVar (database versions not stated): TOPMed below 0.00001; ExAC 0.00001.
gnomAD v4.1: 3 of 1,614,030 alleles (0.00019%); highest among the groups gnomAD compares: African/African-American, 0.0013%; no homozygotes.

Submission:

Ambry Genetics
Classification: Uncertain significance for Inborn genetic diseases. Last evaluated: 2026-02-16. Review status: criteria provided, single submitter. Criteria: Ambry Variant Classification Scheme 2023. Collection method: clinical testing. Allele origin: germline.
Comment: The c.1871G>A (p.R624Q) alteration is located in exon 4 (coding exon 3) of the TRPS1 gene. This alteration results from a G to A substitution at nucleotide position 1871, causing the arginine (R) at amino acid position 624 to be replaced by a glutamine (Q). Based on data from gnomAD, the A allele has an overall frequency of <0.001% (1/249150) total alleles studied. The highest observed frequency was 0.006% (1/17958) of East Asian alleles. Based on insufficient or conflicting evidence, the clinical significance of this alteration remains unclear.

NM_014112.5(TRPS1):c.1871G>A (p.Arg624Gln)

Gene: TRPS1 (transcriptional repressor GATA binding 1; minus strand). Cytogenetic location: 8q23.3.
Variant type: single nucleotide variant.
Coding change: c.1871G>A on transcript NM_014112.5 (MANE Select); coding-DNA position 1871, G replaced by A.
Protein change: p.Arg624Gln; replaces arginine 624 with glutamine.
Molecular consequence: missense variant.
Genome position (GRCh38, 1-based): chr8:115,604,098, C>T on the plus strand (G>A on the coding strand, the complement: TRPS1 is on the minus strand). VCF-style: chr8-115604098-C-T. GRCh37 (hg19) VCF-style: chr8-116616325-C-T.
Other names: c.1844G>A, p.Arg615Gln (NM_001282902.3); c.1850G>A, p.Arg617Gln (NM_001282903.3); c.1832G>A, p.Arg611Gln (NM_001330599.2); short protein forms R624Q, R611Q, R615Q, R617Q.
Identifiers: ClinVar variation 2602300 (VCV002602300.3), dbSNP rs762850704, ClinGen allele CA4851758.
Genomic context (GRCh38, chr8:115,604,098, plus strand): 5'-AAGAGGAGTACATCTACGTCAGGGGTGGTGAATGAACACTGATGGCACTGATGTTTGACT[C>T]GCGAGCTTCCAGCCGCCCCAGGAGACAAGTGCAGAAGCAAGAGTGCACAGTGGGAACAAT-3'
Protein context (NP_054831.2, residues 614-634): HLSPGAAGSS[Arg624Gln]VKHQCHQCSF